The following is an entry in ClinVar:

ClinVar aggregate classification (germline): Uncertain significance. Review status: criteria provided, multiple submitters, no conflicts (2 of 4 stars). 3 submissions from 3 submitters: Uncertain significance (3). Last evaluated 2025-09-12.

Conditions:
Birt-Hogg-Dube syndrome. Also called: Birt Hogg Dubé syndrome. Identifiers: Orphanet 122, MedGen C0346010, MONDO:0800444.
Hereditary cancer-predisposing syndrome. Also called: Tumor predisposition; Neoplastic Syndromes, Hereditary; Hereditary Cancer Syndrome; Hereditary neoplastic syndrome. Identifiers: Orphanet 140162, MedGen C0027672, MeSH D009386, MONDO:0015356.

Allele frequency attached by ClinVar (database versions not stated): gnomAD exomes below 0.00001.
gnomAD v4.1: 2 of 1,614,050 alleles (0.00012%); highest among the groups gnomAD compares: Non-Finnish European, 0.00017%; no homozygotes.

Submissions (3):

Labcorp Genetics (formerly Invitae), Labcorp
Classification: Uncertain significance for Birt-Hogg-Dube syndrome. Last evaluated: 2025-09-12. Review status: criteria provided, single submitter. Criteria: Invitae Variant Classification Sherloc (09022015). Collection method: clinical testing. Allele origin: germline.
Comment: This sequence change replaces proline, which is neutral and non-polar, with leucine, which is neutral and non-polar, at codon 480 of the FLCN protein (p.Pro480Leu). This variant is not present in population databases (gnomAD no frequency). This variant has not been reported in the literature in individuals affected with FLCN-related conditions. ClinVar contains an entry for this variant (Variation ID: 1772661). Invitae Evidence Modeling of protein sequence and biophysical properties (such as structural, functional, and spatial information, amino acid conservation, physicochemical variation, residue mobility, and thermodynamic stability) indicates that this missense variant is expected to disrupt FLCN protein function with a positive predictive value of 80%. In summary, the available evidence is currently insufficient to determine the role of this variant in disease. Therefore, it has been classified as a Variant of Uncertain Significance.

Mayo Clinic Laboratories, Mayo Clinic
Classification: Uncertain significance. Last evaluated: 2022-06-24. Review status: criteria provided, single submitter. Criteria: ACMG Guidelines, 2015. Collection method: clinical testing. Allele origin: germline. Observed: 1 variant allele.
Comment: PM2

Ambry Genetics
Classification: Uncertain significance for Hereditary cancer-predisposing syndrome. Last evaluated: 2022-02-21. Review status: criteria provided, single submitter. Criteria: Ambry Variant Classification Scheme 2023. Collection method: clinical testing. Allele origin: germline.
Comment: The p.P480L variant (also known as c.1439C>T), located in coding exon 10 of the FLCN gene, results from a C to T substitution at nucleotide position 1439. The proline at codon 480 is replaced by leucine, an amino acid with similar properties. This amino acid position is conserved. In addition, this alteration is predicted to be deleterious by in silico analysis. Since supporting evidence is limited at this time, the clinical significance of this alteration remains unclear.

NM_144997.7(FLCN):c.1439C>T (p.Pro480Leu)

Gene: FLCN (folliculin; minus strand). Cytogenetic location: 17p11.2.
Variant type: single nucleotide variant.
Coding change: c.1439C>T on transcript NM_144997.7 (MANE Select); coding-DNA position 1439, C replaced by T.
Protein change: p.Pro480Leu; replaces proline 480 with leucine.
Molecular consequence: missense variant.
Genome position (GRCh38, 1-based): chr17:17,215,084, G>A on the plus strand (C>T on the coding strand, the complement: FLCN is on the minus strand). VCF-style: chr17-17215084-G-A. GRCh37 (hg19) VCF-style: chr17-17118398-G-A.
Other names: p.Pro480Leu; c.1493C>T, p.Pro498Leu (NM_001353229.2); c.1439C>T, p.Pro480Leu (NM_001353230.2, NM_001353231.2); short protein forms P498L, P480L.
Identifiers: ClinVar variation 1772661 (VCV001772661.6), dbSNP rs745720578, ClinGen allele CA288305225.